The following is an entry in ClinVar:

ClinVar aggregate classification (germline): Likely pathogenic (1 of 4 stars; one submission).

Conditions:
Rare genetic deafness. Identifiers: Orphanet 96210, MedGen C5680250.

Submission:

Laboratory for Molecular Medicine, Mass General Brigham Personalized Medicine
Classification: Likely pathogenic for Rare genetic deafness. Last evaluated: 2015-02-04. Review status: criteria provided, single submitter. Criteria: LMM Criteria. Collection method: clinical testing. Allele origin: germline. Inheritance: Autosomal recessive inheritance. Observed: 1 variant allele.
Comment: The c.4545+1G>C variant in MYO3A has not been previously reported in individuals with hearing loss and was absent from large population studies. This variant oc curs in the invariant region (+ 1/2) of the 5' splice site consensus sequence an d is predicted to cause altered splicing leading to an abnormal or absent protei n. In summary, although additional studies are required to fully establish its c linical significance, the c.4545+1G>C variant is likely pathogenic.

NM_017433.5(MYO3A):c.4545+1G>C

Gene: MYO3A (myosin IIIA; plus strand). Cytogenetic location: 10p12.1.
Variant type: single nucleotide variant.
Coding change: c.4545+1G>C on transcript NM_017433.5 (MANE Select); the canonical splice donor site of the intron after coding-DNA position 4545, G replaced by C.
Molecular consequence: splice donor variant.
Genome position (GRCh38, 1-based): chr10:26,193,312, G>C. VCF-style: chr10-26193312-G-C. GRCh37 (hg19) VCF-style: chr10-26482241-G-C.
Identifiers: ClinVar variation 228277 (VCV000228277.4), dbSNP rs876657652, ClinGen allele CA10576787.